The following is an entry in ClinVar:

ClinVar aggregate classification (germline): Likely benign. Review status: criteria provided, multiple submitters, no conflicts (2 of 4 stars). 3 submissions from 3 submitters: Likely benign (3). Last evaluated 2026-01-17.

Conditions:
Myofibrillar myopathy 6. Identifiers: Orphanet 199340, MedGen C2751831, MONDO:0013061, OMIM 612954.
Dilated cardiomyopathy 1HH (CMD1HH). Identifiers: Orphanet 154, MedGen C3151293, MONDO:0013479, OMIM 613881.
Cardiovascular phenotype. Identifiers: MedGen CN230736.

Submissions (3):

GeneDx
Classification: Likely benign. Last evaluated: 2026-01-17. Review status: criteria provided, single submitter. Criteria: GeneDx Variant Classification Process June 2021. Collection method: clinical testing. Allele origin: germline. Affected: yes.
Comment: See Variant Classification Assertion Criteria.

Labcorp Genetics (formerly Invitae), Labcorp
Classification: Likely benign for Dilated cardiomyopathy 1HH; Myofibrillar myopathy 6. Last evaluated: 2026-01-16. Review status: criteria provided, single submitter. Criteria: Invitae Variant Classification Sherloc (09022015). Collection method: clinical testing. Allele origin: germline.

Ambry Genetics
Classification: Likely benign for Cardiovascular phenotype. Last evaluated: 2017-12-12. Review status: criteria provided, single submitter. Criteria: Ambry Variant Classification Scheme 2023. Collection method: clinical testing. Allele origin: germline.

NM_004281.4(BAG3):c.870C>A (p.Pro290=)

Gene: BAG3 (BAG cochaperone 3; plus strand). Cytogenetic location: 10q26.11.
Variant type: single nucleotide variant.
Coding change: c.870C>A on transcript NM_004281.4 (MANE Select); coding-DNA position 870, C replaced by A.
Protein change: p.Pro290=; no amino-acid change (proline 290 retained).
Molecular consequence: synonymous variant.
Genome position (GRCh38, 1-based): chr10:119,672,617, C>A. VCF-style: chr10-119672617-C-A. GRCh37 (hg19) VCF-style: chr10-121432129-C-A.
Identifiers: ClinVar variation 383009 (VCV000383009.16), dbSNP rs140737221, ClinGen allele CA5716427.